The following is an entry in ClinVar:

ClinVar aggregate classification (germline): Uncertain significance (1 of 4 stars; one submission).

Submission:

Labcorp Genetics (formerly Invitae), Labcorp
Classification: Uncertain significance. Last evaluated: 2022-05-29. Review status: criteria provided, single submitter. Criteria: Invitae Variant Classification Sherloc (09022015). Collection method: clinical testing. Allele origin: germline.
Comment: This sequence change replaces glutamine, which is neutral and polar, with arginine, which is basic and polar, at codon 1090 of the RP1 protein (p.Gln1090Arg). This variant is not present in population databases (gnomAD no frequency). This variant has not been reported in the literature in individuals affected with RP1-related conditions. Algorithms developed to predict the effect of missense changes on protein structure and function (SIFT, PolyPhen-2, Align-GVGD) all suggest that this variant is likely to be tolerated. In summary, the available evidence is currently insufficient to determine the role of this variant in disease. Therefore, it has been classified as a Variant of Uncertain Significance.

NM_006269.2(RP1):c.3269A>G (p.Gln1090Arg)

Gene: RP1 (RP1 axonemal microtubule associated; plus strand). Cytogenetic location: 8q12.1.
Variant type: single nucleotide variant.
Coding change: c.3269A>G on transcript NM_006269.2 (MANE Select); coding-DNA position 3269, A replaced by G.
Protein change: p.Gln1090Arg; replaces glutamine 1090 with arginine.
Molecular consequence: missense variant. On other transcripts: intron variant (1).
Genome position (GRCh38, 1-based): chr8:54,627,151, A>G. VCF-style: chr8-54627151-A-G. GRCh37 (hg19) VCF-style: chr8-55539711-A-G.
Other names: c.787+4863A>G (NM_001375654.1); short protein forms Q1090R.
Identifiers: ClinVar variation 2000584 (VCV002000584.4), dbSNP rs2536578502, ClinGen allele CA370996005.